The following is an entry in ClinVar:

ClinVar aggregate classification (germline): Uncertain significance. Review status: criteria provided, multiple submitters, no conflicts (2 of 4 stars). 3 submissions from 3 submitters: Uncertain significance (3). Last evaluated 2025-04-30.

Conditions:
Inborn genetic diseases. Identifiers: MedGen C0950123, MeSH D030342.
Fibrous dysplasia of jaw (CRBM). Also called: Cherubism. Identifiers: Orphanet 184, MedGen C0008029, MONDO:0007315, OMIM 118400.

Allele frequency attached by ClinVar (database versions not stated): gnomAD exomes 0.00002; ExAC 0.00003; TOPMed 0.00003; gnomAD 0.00004; 1000 Genomes Project 30x 0.00016; 1000 Genomes Project 0.00020.
gnomAD v4.1: 92 of 1,610,450 alleles (0.0057%); highest among the groups gnomAD compares: African/African-American, 0.008%; no homozygotes.

Submissions (3):

Labcorp Genetics (formerly Invitae), Labcorp
Classification: Uncertain significance for Fibrous dysplasia of jaw. Last evaluated: 2025-04-30. Review status: criteria provided, single submitter. Criteria: Invitae Variant Classification Sherloc (09022015). Collection method: clinical testing. Allele origin: germline.
Comment: This sequence change replaces glutamic acid, which is acidic and polar, with lysine, which is basic and polar, at codon 525 of the SH3BP2 protein (p.Glu525Lys). This variant is present in population databases (rs142735744, gnomAD 0.006%). This variant has not been reported in the literature in individuals affected with SH3BP2-related conditions. ClinVar contains an entry for this variant (Variation ID: 1514014). Invitae Evidence Modeling of protein sequence and biophysical properties (such as structural, functional, and spatial information, amino acid conservation, physicochemical variation, residue mobility, and thermodynamic stability) indicates that this missense variant is not expected to disrupt SH3BP2 protein function with a negative predictive value of 95%. In summary, the available evidence is currently insufficient to determine the role of this variant in disease. Therefore, it has been classified as a Variant of Uncertain Significance.

Ambry Genetics
Classification: Uncertain significance for Inborn genetic diseases. Last evaluated: 2024-11-08. Review status: criteria provided, single submitter. Criteria: Ambry Variant Classification Scheme 2023. Collection method: clinical testing. Allele origin: germline.

Center for Genomics, Ann and Robert H. Lurie Children's Hospital of Chicago
Classification: Uncertain significance for Fibrous dysplasia of jaw. Last evaluated: 2021-07-14. Review status: criteria provided, single submitter. Criteria: ACMG Guidelines, 2015. Collection method: clinical testing. Allele origin: germline.
Comment: SH3BP2 NM_003023.4 exon 13 p.Glu525Lys (c.1573G>A):This variant has not been reported in the literature but is present in 0.007% (3/41454) of African alleles in the Genome Aggregation Database. Evolutionary conservation suggests that this variant may not impact the protein; computational predictive tools for this variant are unclear. In summary, data on this variant is insufficient for disease classification. Therefore, the clinical significance of this variant is uncertain.

NM_001122681.2(SH3BP2):c.1573G>A (p.Glu525Lys)

Gene: SH3BP2 (SH3 domain binding protein 2; plus strand). Cytogenetic location: 4p16.3.
Variant type: single nucleotide variant.
Coding change: c.1573G>A on transcript NM_001122681.2 (MANE Select); coding-DNA position 1573, G replaced by A.
Protein change: p.Glu525Lys; replaces glutamic acid 525 with lysine.
Molecular consequence: missense variant.
Genome position (GRCh38, 1-based): chr4:2,833,721, G>A. VCF-style: chr4-2833721-G-A. GRCh37 (hg19) VCF-style: chr4-2835448-G-A.
Other names: c.1657G>A, p.Glu553Lys (NM_001145855.2); c.1744G>A, p.Glu582Lys (NM_001145856.2); c.1573G>A, p.Glu525Lys (NM_003023.4); short protein forms E525K, E582K, E553K.
Identifiers: ClinVar variation 1514014 (VCV001514014.10), dbSNP rs142735744, ClinGen allele CA2819635.
Genomic context (GRCh38, chr4:2,833,721, plus strand): 5'-GGCCCTGCTGACGCTCCCCCTTCTCTTCCCCCACAGGACTCTAAGTTCTACCTGGAGGGC[G>A]AGGTCCTGTTTGTGAGTGTGGGCAGCATGGTGGAGCACTACCACACCCACGTGCTGCCCA-3'
Protein context (NP_001116153.1, residues 515-535): EKDSKFYLEG[Glu525Lys]VLFVSVGSMV